The following is an entry in ClinVar:

ClinVar aggregate classification (germline): Pathogenic. Review status: criteria provided, multiple submitters, no conflicts (2 of 4 stars). 2 submissions from 2 submitters: Pathogenic (2). Last evaluated 2026-05-07.

Conditions:
PKD1-related disorder. Also called: PKD1-related condition.
Polycystic kidney disease, adult type (PKD1). Also called: Polycystic Kidney, Autosomal Dominant; POLYCYSTIC KIDNEY DISEASE, ADULT, TYPE I; Polycystic Kidney Disease 1, Autosomal Dominant; Polycystic kidney disease 1; Polycystic kidney disease 1, severe; POLYCYSTIC KIDNEY DISEASE 1 WITH OR WITHOUT POLYCYSTIC LIVER DISEASE. Identifiers: MedGen C3149841, MONDO:0008263, OMIM 173900.

Submissions (2):

Victorian Clinical Genetics Services, Murdoch Childrens Research Institute
Classification: Pathogenic for Polycystic kidney disease, adult type. Last evaluated: 2026-05-07. Review status: criteria provided, single submitter. Criteria: ACMG Guidelines, 2015. Collection method: clinical testing. Allele origin: germline. Affected: yes.
Comment: This variant is classified as Pathogenic. Evidence in support of pathogenic classification: Variant is predicted to cause nonsense-mediated decay (NMD) and loss of protein (premature termination codon is located at least 54 nucleotides upstream of the final exon-exon junction); Variant is absent from gnomAD (v2, v3 and v4); Other NMD-predicted variant(s) comparable to the one identified in this case have very strong previous evidence for pathogenicity (DECIPHER). Additional information: This variant is heterozygous; This gene is associated with autosomal dominant disease. Polycystic kidney disease 1 (MIM#173900) is predominantly caused by monoallelic variants, with rare reports of biallelic variants causing disease (OMIM); Loss of function is a known mechanism of disease in this gene and is associated with polycystic kidney disease 1 (MIM#173900); Inheritance information for this variant is not currently available in this individual.

Blueprint Genetics
Classification: Pathogenic for PKD1-related disorders. Last evaluated: 2024-09-24. Review status: criteria provided, single submitter. Criteria: ACMG Guidelines, 2015. Collection method: clinical testing. Allele origin: germline. Affected: yes. Observed: 1 variant allele.

NM_001009944.3(PKD1):c.5014del (p.Arg1672fs)

Gene: PKD1 (polycystin 1, transient receptor potential channel interacting; minus strand). Cytogenetic location: 16p13.3.
Variant type: Deletion.
Coding change: c.5014del on transcript NM_001009944.3 (MANE Select); coding-DNA position 5014, one base deleted (A; older notation c.5014delA).
Protein change: p.Arg1672fs; shifts the reading frame from arginine 1672.
Molecular consequence: frameshift variant.
Genome position (GRCh38, 1-based): chr16:2,110,153, T deleted on the plus strand (A on the coding strand, the reverse complement: PKD1 is on the minus strand). VCF-style (leftmost placement, unchanged base first): chr16-2110152-CT-C. GRCh37 (hg19) VCF-style: chr16-2160153-CT-C.
Other names: c.5014del, p.Arg1672fs (NM_000296.4); short protein forms R1672fs.
Identifiers: ClinVar variation 4879617 (VCV004879617.2).